The following is an entry in ClinVar:

ClinVar aggregate classification (germline): Pathogenic (1 of 4 stars; one submission).

Conditions:
CEP290-related ciliopathy. Also called: CEP290 ciliopathy. Identifiers: MedGen CN305601, MONDO:0100451.

Submission:

Myriad Genetics, Inc.
Classification: Pathogenic for CEP290-related ciliopathy. Last evaluated: 2026-06-12. Review status: criteria provided, single submitter. Criteria: Myriad Autosomal Dominant, Autosomal Recessive and X-Linked Classification Criteria (2023). Collection method: clinical testing. Allele origin: unknown.
Comment: NM_025114.3(CEP290):c.4440_4452del13ins3(K1480Nfs*6) is expected to be pathogenic in the context of CEP290-related disorders. This variant is predicted to lead to an abnormal or absent protein product due to the creation of a premature termination codon in CEP290, a gene where loss-of-function variants are known to be pathogenic. Please note: this variant was assessed in the context of healthy population screening.

NM_025114.4(CEP290):c.4440_4452delinsTCT (p.Lys1480fs)

Gene: CEP290 (centrosomal protein 290; minus strand). Cytogenetic location: 12q21.32.
Variant type: Indel.
Coding change: c.4440_4452delinsTCT on transcript NM_025114.4 (MANE Select); coding-DNA positions 4440 to 4452, ACTAAAAGAGAAA replaced by TCT.
Protein change: p.Lys1480fs; shifts the reading frame from lysine 1480.
Molecular consequence: frameshift variant.
Genome position (GRCh38, 1-based): chr12:88,084,838-88,084,850, TTTCTCTTTTAGT replaced by AGA on the plus strand (ACTAAAAGAGAAA replaced by TCT on the coding strand, the reverse complement: CEP290 is on the minus strand). VCF-style: chr12-88084838-TTTCTCTTTTAGT-AGA. GRCh37 (hg19) VCF-style: chr12-88478615-TTTCTCTTTTAGT-AGA.
Other names: short protein forms K1480fs.
Identifiers: ClinVar variation 5016032 (VCV005016032.1).